The following is an entry in ClinVar:

NM_013451.4(MYOF):c.4811+7T>C

Gene: MYOF (myoferlin; minus strand). Cytogenetic location: 10q23.33.
Variant type: single nucleotide variant.
Coding change: c.4811+7T>C on transcript NM_013451.4 (MANE Select); 7 bases into the intron after coding-DNA position 4811, T replaced by C.
Molecular consequence: intron variant.
Genome position (GRCh38, 1-based): chr10:93,333,214, A>G on the plus strand (T>C on the coding strand, the complement: MYOF is on the minus strand). VCF-style: chr10-93333214-A-G. GRCh37 (hg19) VCF-style: chr10-95092971-A-G.
Other names: c.4772+7T>C (NM_133337.3); c.4811+7T>C (NM_013451.3).
Identifiers: ClinVar variation 1675425 (VCV001675425.34), dbSNP rs373630294, ClinGen allele CA5606915.

ClinVar aggregate classification (germline): Likely benign. Review status: criteria provided, single submitter (1 of 4 stars). 2 submissions from 2 submitters: Likely benign (1). 1 of the submissions does not count toward it. Last evaluated 2022-01-01.

Conditions:
MYOF-related disorder. Also called: MYOF-related condition.

Allele frequency attached by ClinVar (database versions not stated): ExAC 0.00014; ESP Exome Variant Server 0.00017; gnomAD exomes 0.00018 and 0.00009; gnomAD 0.00027 and 0.00030; TOPMed 0.00042; 1000 Genomes Project 30x 0.00078; 1000 Genomes Project 0.00080.
gnomAD v4.1: 180 of 1,610,854 alleles (0.011%); highest among the groups gnomAD compares: African/African-American, 0.069%; 1 homozygote.

Submissions (2):

CeGaT Center for Human Genetics Tuebingen
Classification: Likely benign. Last evaluated: 2022-01-01. Review status: criteria provided, single submitter. Criteria: CeGaT Center For Human Genetics Tuebingen Variant Classification Criteria Version 2. Collection method: clinical testing. Allele origin: germline. Affected: yes. Observed: 1 variant allele.

PreventionGenetics, part of Exact Sciences
Classification: Likely benign for MYOF-related condition. Last evaluated: 2019-05-08. Review status: no assertion criteria provided. Collection method: clinical testing. Allele origin: germline. Not counted in ClinVar's aggregate classification.
Comment: This variant is classified as likely benign based on ACMG/AMP sequence variant interpretation guidelines (Richards et al. 2015 PMID: 25741868, with internal and published modifications).